The following is an entry in ClinVar:

ClinVar aggregate classification (germline): Uncertain significance (1 of 4 stars; one submission).

Conditions:
Familial hemophagocytic lymphohistiocytosis 4 (FHL4). Also called: STX11-Related Familial Hemophagocytic Lymphohistiocytosis (STX11-fHLH). Identifiers: Orphanet 540, MedGen C1863728, MONDO:0011336, OMIM 603552.

gnomAD v4.1: 2 of 1,613,984 alleles (0.00012%); no homozygotes.

Submission:

Labcorp Genetics (formerly Invitae), Labcorp
Classification: Uncertain significance for Familial hemophagocytic lymphohistiocytosis 4. Last evaluated: 2025-04-07. Review status: criteria provided, single submitter. Criteria: Invitae Variant Classification Sherloc (09022015). Collection method: clinical testing. Allele origin: germline.
Comment: This sequence change replaces aspartic acid, which is acidic and polar, with glycine, which is neutral and non-polar, at codon 179 of the STX11 protein (p.Asp179Gly). This variant is not present in population databases (gnomAD no frequency). This variant has not been reported in the literature in individuals affected with STX11-related conditions. ClinVar contains an entry for this variant (Variation ID: 960582). Invitae Evidence Modeling of protein sequence and biophysical properties (such as structural, functional, and spatial information, amino acid conservation, physicochemical variation, residue mobility, and thermodynamic stability) indicates that this missense variant is not expected to disrupt STX11 protein function with a negative predictive value of 80%. In summary, the available evidence is currently insufficient to determine the role of this variant in disease. Therefore, it has been classified as a Variant of Uncertain Significance.

NM_003764.4(STX11):c.536A>G (p.Asp179Gly)

Gene: STX11 (syntaxin 11; plus strand). Cytogenetic location: 6q24.2.
Variant type: single nucleotide variant.
Coding change: c.536A>G on transcript NM_003764.4 (MANE Select); coding-DNA position 536, A replaced by G.
Protein change: p.Asp179Gly; replaces aspartic acid 179 with glycine.
Molecular consequence: missense variant.
Genome position (GRCh38, 1-based): chr6:144,187,163, A>G. VCF-style: chr6-144187163-A-G. GRCh37 (hg19) VCF-style: chr6-144508300-A-G.
Other names: short protein forms D179G.
Identifiers: ClinVar variation 960582 (VCV000960582.6), dbSNP rs1802072127, ClinGen allele CA365949455.